The following is an entry in ClinVar:

NM_006361.6(HOXB13):c.773G>A (p.Arg258His)

Gene: HOXB13 (homeobox B13; minus strand). Cytogenetic location: 17q21.32.
Variant type: single nucleotide variant.
Coding change: c.773G>A on transcript NM_006361.6 (MANE Select); coding-DNA position 773, G replaced by A.
Protein change: p.Arg258His; replaces arginine 258 with histidine.
Molecular consequence: missense variant.
Genome position (GRCh38, 1-based): chr17:48,726,872, C>T on the plus strand (G>A on the coding strand, the complement: HOXB13 is on the minus strand). VCF-style: chr17-48726872-C-T. GRCh37 (hg19) VCF-style: chr17-46804234-C-T.
Other names: short protein forms R258H.
Identifiers: ClinVar variation 483529 (VCV000483529.18), dbSNP rs367732101, ClinGen allele CA291348898.

ClinVar aggregate classification (germline): Uncertain significance. Review status: criteria provided, multiple submitters, no conflicts (2 of 4 stars). 6 submissions from 6 submitters: Uncertain significance (6). Last evaluated 2025-10-08.

Conditions:
Prostate cancer, hereditary, 9 (HPC9). Identifiers: Orphanet 1331, MedGen C1970250, MONDO:0012597, OMIM 610997.
Hereditary cancer-predisposing syndrome. Also called: Neoplastic Syndromes, Hereditary; Tumor predisposition; Hereditary Cancer Syndrome; Hereditary neoplastic syndrome. Identifiers: Orphanet 140162, MedGen C0027672, MeSH D009386, MONDO:0015356.

Allele frequency attached by ClinVar (database versions not stated): TOPMed 0.00001; ESP Exome Variant Server 0.00008.

Submissions (6):

Labcorp Genetics (formerly Invitae), Labcorp
Classification: Uncertain significance. Last evaluated: 2025-10-08. Review status: criteria provided, single submitter. Criteria: Invitae Variant Classification Sherloc (09022015). Collection method: clinical testing. Allele origin: germline.
Comment: This sequence change replaces arginine, which is basic and polar, with histidine, which is basic and polar, at codon 258 of the HOXB13 protein (p.Arg258His). This variant is present in population databases (rs367732101, gnomAD 0.0009%). This variant has not been reported in the literature in individuals affected with HOXB13-related conditions. ClinVar contains an entry for this variant (Variation ID: 483529). Invitae Evidence Modeling of protein sequence and biophysical properties (such as structural, functional, and spatial information, amino acid conservation, physicochemical variation, residue mobility, and thermodynamic stability) indicates that this missense variant is expected to disrupt HOXB13 protein function with a positive predictive value of 80%. In summary, the available evidence is currently insufficient to determine the role of this variant in disease. Therefore, it has been classified as a Variant of Uncertain Significance.

Quest Diagnostics Nichols Institute San Juan Capistrano
Classification: Uncertain significance. Last evaluated: 2025-01-12. Review status: criteria provided, single submitter. Criteria: Quest Diagnostics criteria. Collection method: clinical testing. Allele origin: unknown.
Comment: The HOXB13 c.773G>A (p.Arg258His) variant has not been reported in individuals with HOXB13-related conditions in the published literature. The frequency of this variant in the general population (Genome Aggregation Database) is uninformative in the assessment of its pathogenicity. Analysis of this variant using bioinformatics tools for the prediction of the effect of amino acid changes on protein structure and function yielded predictions that this variant is damaging. Based on the available information, we are unable to determine the clinical significance of this variant.

Fulgent Genetics
Classification: Uncertain significance for Prostate cancer, hereditary, 9. Last evaluated: 2024-05-29. Review status: criteria provided, single submitter. Criteria: ACMG Guidelines, 2015. Collection method: clinical testing. Allele origin: germline.

Ambry Genetics
Classification: Uncertain significance for Hereditary cancer-predisposing syndrome. Last evaluated: 2023-12-05. Review status: criteria provided, single submitter. Criteria: Ambry Variant Classification Scheme 2023. Collection method: clinical testing. Allele origin: germline.
Comment: The p.R258H variant (also known as c.773G>A), located in coding exon 2 of the HOXB13 gene, results from a G to A substitution at nucleotide position 773. The arginine at codon 258 is replaced by histidine, an amino acid with highly similar properties. This amino acid position is highly conserved in available vertebrate species. In addition, this alteration is predicted to be deleterious by in silico analysis. Since supporting evidence is limited at this time, the clinical significance of this alteration remains unclear.

Revvity Omics, Revvity
Classification: Uncertain significance. Last evaluated: 2022-06-24. Review status: criteria provided, single submitter. Criteria: ACMG Guidelines, 2015. Collection method: clinical testing. Allele origin: germline.

GeneDx
Classification: Uncertain significance. Last evaluated: 2020-12-23. Review status: criteria provided, single submitter. Criteria: GeneDx Variant Classification Process June 2021. Collection method: clinical testing. Allele origin: germline. Affected: yes.
Comment: Not observed at a significant frequency in large population cohorts (Lek 2016); In silico analysis supports that this missense variant has a deleterious effect on protein structure/function; Has not been previously published as pathogenic or benign to our knowledge; This variant is associated with the following publications: (PMID: 28072499)